The following is an entry in ClinVar:

NM_206933.4(USH2A):c.4070C>T (p.Thr1357Met)

Genes: USH2A (usherin; minus strand), USH2A-AS1 (USH2A antisense RNA 1; plus strand). Cytogenetic location: 1q41.
Variant type: single nucleotide variant.
Coding change: c.4070C>T on transcript NM_206933.4 (MANE Select); coding-DNA position 4070, C replaced by T.
Protein change: p.Thr1357Met; replaces threonine 1357 with methionine.
Molecular consequence: missense variant.
Genome position (GRCh38, 1-based): chr1:216,198,326, G>A on the plus strand (C>T on the coding strand, the complement: USH2A is on the minus strand). VCF-style: chr1-216198326-G-A. GRCh37 (hg19) VCF-style: chr1-216371668-G-A.
Other names: c.4070C>T, p.Thr1357Met (NM_007123.6); short protein forms T1357M.
Identifiers: ClinVar variation 550393 (VCV000550393.12), dbSNP rs201190539, ClinGen allele CA1395839.

ClinVar aggregate classification (germline): Uncertain significance. Review status: criteria provided, multiple submitters, no conflicts (2 of 4 stars). 10 submissions from 9 submitters: Uncertain significance (8). 2 of the submissions do not count toward it. Last evaluated 2025-10-03.

Conditions:
Stargardt-like macular dystrophy.
Retinitis pigmentosa (RP). Identifiers: Orphanet 791, MedGen C0035334, MeSH D012174, MONDO:0019200, OMIM 268000. Inheritance: Autosomal dominant, autosomal recessive and X linked inheritance.
Retinitis pigmentosa 39 (RP39). Identifiers: Orphanet 791, MedGen C3151138, MONDO:0013436, OMIM 613809.
Usher syndrome type 2A. Also called: USHER SYNDROME, TYPE IIA; RETINAL DISEASE IN USHER SYNDROME TYPE IIA, MODIFIER OF. Identifiers: Orphanet 231178, Orphanet 886, MedGen C1848634, MONDO:0010169, OMIM 276901.
USH2A-related disorder. Also called: USH2A-related disorders; USH2A-related condition. Identifiers: MedGen CN239332.
Retinal dystrophy. Also called: Inherited retinal dystrophy. Identifiers: Orphanet 71862, MedGen C0854723, MeSH D058499, MONDO:0019118, HP:0000556.

Allele frequency attached by ClinVar (database versions not stated): gnomAD 0.00001 and 0.00005; TOPMed 0.00002; gnomAD exomes 0.00013 and 0.00017; 1000 Genomes Project 30x 0.00016; ExAC 0.00018; 1000 Genomes Project 0.00020.
gnomAD v4.1: 204 of 1,613,810 alleles (0.013%); highest among the groups gnomAD compares: East Asian, 0.26%; 1 homozygote.

Submissions (10):

PreventionGenetics, part of Exact Sciences
Classification: Uncertain significance for USH2A-related condition. Last evaluated: 2025-10-03. Review status: criteria provided, single submitter. Criteria: ACMG Guidelines, 2015. Collection method: clinical testing. Allele origin: germline.
Comment: The USH2A c.4070C>T variant is predicted to result in the amino acid substitution p.Thr1357Met. This variant has been reported in the heterozygous state in individuals with deafness, retinitis pigmentosa, and alopecia (Miyagawa et al. 2013. PubMed ID: 23967202; Shin et al. 2020. PubMed ID: 32868181; Ma et al. 2021. PubMed ID: 33691693; Kim et al. 2021. PubMed ID: 33946315; Liu et al. 2022. PubMed ID: 35114279; Zhao et al. 2014. PubMed ID: 25078356; Goto et al. 2024. PubMed ID: 38499336); however, a second USH2A variant was not reported or additional patient or genetic information was not provided. This variant is reported in 0.093% of alleles in individuals of East Asian descent in gnomAD v2. However, in gnomAD v4 (available only on GRCh38), this variant is reported in 0.26% of alleles in individuals of East Asian, including one homozygote. This population data is not consistent with this variant being a primary cause of disease. Although we suspect that this variant may be benign, at this time, the clinical significance of this variant is uncertain due to the absence of conclusive functional and genetic evidence.

Labcorp Genetics (formerly Invitae), Labcorp
Classification: Uncertain significance. Last evaluated: 2025-01-27. Review status: criteria provided, single submitter. Criteria: Invitae Variant Classification Sherloc (09022015). Collection method: clinical testing. Allele origin: germline.
Comment: This sequence change replaces threonine, which is neutral and polar, with methionine, which is neutral and non-polar, at codon 1357 of the USH2A protein (p.Thr1357Met). This variant is present in population databases (rs201190539, gnomAD 0.1%). This missense change has been observed in individual(s) with USH2A-related conditions (PMID: 23967202, 33946315, 35114279). ClinVar contains an entry for this variant (Variation ID: 550393). Invitae Evidence Modeling of protein sequence and biophysical properties (such as structural, functional, and spatial information, amino acid conservation, physicochemical variation, residue mobility, and thermodynamic stability) indicates that this missense variant is expected to disrupt USH2A protein function with a positive predictive value of 95%. In summary, the available evidence is currently insufficient to determine the role of this variant in disease. Therefore, it has been classified as a Variant of Uncertain Significance.

Blueprint Genetics
Classification: Uncertain significance. Last evaluated: 2024-11-26. Review status: criteria provided, single submitter. Criteria: ACMG Guidelines, 2015. Collection method: clinical testing. Allele origin: germline.

Lab De Baere, Eye and Developmental Genetics Lab, Ghent University
Classification: Uncertain significance for Retinitis pigmentosa. Last evaluated: 2024-10-01. Review status: criteria provided, single submitter. Criteria: ACMG Guidelines, 2015. Collection method: research. Allele origin: inherited. Affected: yes. Observed: 1 variant allele.
Comment: ACMG/AMP guidelines: PM2

Genome-Nilou Lab
Classification: Uncertain significance for Retinitis pigmentosa 39. Last evaluated: 2023-11-04. Review status: criteria provided, single submitter. Criteria: ACMG Guidelines, 2015. Collection method: clinical testing. Allele origin: germline. Affected: no.

Genome-Nilou Lab
Classification: Uncertain significance for Usher syndrome type 2A. Last evaluated: 2023-11-04. Review status: criteria provided, single submitter. Criteria: ACMG Guidelines, 2015. Collection method: clinical testing. Allele origin: germline. Affected: no.

Dept Of Ophthalmology, Nagoya University
Classification: Uncertain significance for Retinal dystrophy. Last evaluated: 2023-10-01. Review status: criteria provided, single submitter. Criteria: Submitter's publication. Collection method: research. Allele origin: germline. Affected: yes.

Fulgent Genetics
Classification: Uncertain significance for Usher syndrome type 2A; Retinitis pigmentosa 39. Last evaluated: 2021-12-06. Review status: criteria provided, single submitter. Criteria: ACMG Guidelines, 2015. Collection method: clinical testing. Allele origin: unknown.

Counsyl
Classification: Uncertain significance for Usher syndrome type 2A; Retinitis pigmentosa 39. Last evaluated: 2017-01-19. Review status: no assertion criteria provided. Collection method: clinical testing. Allele origin: unknown. Not counted in ClinVar's aggregate classification.

Ningxia Clinical Research Institute, People's Hospital of Ningxia Hui Autonomous Region
Classification: Pathogenic for Stargardt-like macular dystrophy. Last evaluated: 2025-12-12. Review status: flagged submission. Criteria: ACMG Guidelines, 2015. Collection method: clinical testing. Allele origin: inherited. Inheritance: Autosomal recessive inheritance. Affected: yes. Observed: 1 variant allele, 1 compound heterozygote. Not counted in ClinVar's aggregate classification.
Comment: c.5083del; p.Ser1695Val fs*19 is a frameshift deletion variant that introduces a premature termination codon and is predicted to trigger nonsense-mediated mRNA decay. This variant has not been found in population databases or known variant repositories, indicating it is a novel variant. The variant described above co-segregate within the family as supportive evidence. The phenotype of the variant carriers is highly consistent with the monogenic retinal disorder Stargardt-like macular dystrophy.The variant c.5083del; p.Ser1695Val fs*19 is classified as pathogenic.
ClinVar note: Notes: The submitters classification refers to a different variant (c.5083del; p.Ser1695Val fs*19) instead of NM_206933.4(USH2A):c.4070C>T (p.Thr1357Met).
ClinVar note: Reason: Other submission error

Literature cited by the submitters: PubMed 23967202 (cited by Labcorp Genetics (formerly Invitae), Labcorp and Counsyl); PubMed 33946315 (cited by Labcorp Genetics (formerly Invitae), Labcorp); PubMed 35114279 (cited by Labcorp Genetics (formerly Invitae), Labcorp); PubMed 25078356 (cited by Counsyl).